The following is an entry in ClinVar:

ClinVar aggregate classification (germline): Uncertain significance. Review status: criteria provided, single submitter (1 of 4 stars). 2 submissions from 2 submitters: Uncertain significance (1). 1 of the submissions does not count toward it. Last evaluated 2023-10-25.

Allele frequency attached by ClinVar (database versions not stated): TOPMed below 0.00001; gnomAD 0.00001.
gnomAD v4.1: 1 of 1,614,106 alleles (0.000062%); highest among the groups gnomAD compares: Admixed American, 0.0017%; no homozygotes.

Submissions (2):

Ambry Genetics
Classification: Uncertain significance. Last evaluated: 2023-10-25. Review status: criteria provided, single submitter. Criteria: Ambry Variant Classification Scheme 2023. Collection method: clinical testing. Allele origin: germline.

ITMI
No classification provided. Condition: AllHighlyPenetrant. Last evaluated: 2013-09-19. Review status: no classification provided. Collection method: reference population. Allele origin: germline. Not counted in ClinVar's aggregate classification.
Comment: Please see associated publication for description of ethnicities

Literature cited by the submitters: PubMed 24728327 (cited by ITMI).

NM_017709.4(TENT5C):c.89C>G (p.Thr30Ser)

Gene: TENT5C (terminal nucleotidyltransferase 5C; plus strand). Cytogenetic location: 1p12.
Variant type: single nucleotide variant.
Coding change: c.89C>G on transcript NM_017709.4 (MANE Select); coding-DNA position 89, C replaced by G.
Protein change: p.Thr30Ser; replaces threonine 30 with serine.
Molecular consequence: missense variant.
Genome position (GRCh38, 1-based): chr1:117,622,957, C>G. VCF-style: chr1-117622957-C-G. GRCh37 (hg19) VCF-style: chr1-118165579-C-G.
Other names: c.89C>G (NM_017709.3); short protein forms T30S.
Identifiers: ClinVar variation 134231 (VCV000134231.2), dbSNP rs587778307, ClinGen allele CA159213.